The following is an entry in ClinVar:

ClinVar aggregate classification (germline): Uncertain significance (1 of 4 stars; one submission).

Conditions:
Neurofibromatosis, type 1 (NF1). Also called: Neurofibromatosis, type I; NEUROFIBROMATOSIS, TYPE I, SOMATIC; Peripheral type neurofibromatosis; VON RECKLINGHAUSEN DISEASE. Identifiers: Orphanet 636, MedGen C0027831, MONDO:0018975, OMIM 162200. Disease mechanism: loss of function.

gnomAD v4.1: 1 of 1,614,178 alleles (0.000062%); no homozygotes.

Submission:

Labcorp Genetics (formerly Invitae), Labcorp
Classification: Uncertain significance for Neurofibromatosis, type 1. Last evaluated: 2025-03-24. Review status: criteria provided, single submitter. Criteria: Invitae Variant Classification Sherloc (09022015). Collection method: clinical testing. Allele origin: germline.
Comment: This sequence change replaces tryptophan, which is neutral and slightly polar, with glycine, which is neutral and non-polar, at codon 2296 of the NF1 protein (p.Trp2296Gly). This variant is not present in population databases (gnomAD no frequency). This variant has not been reported in the literature in individuals affected with NF1-related conditions. ClinVar contains an entry for this variant (Variation ID: 404492). Invitae Evidence Modeling of protein sequence and biophysical properties (such as structural, functional, and spatial information, amino acid conservation, physicochemical variation, residue mobility, and thermodynamic stability) indicates that this missense variant is expected to disrupt NF1 protein function with a positive predictive value of 95%. This variant disrupts the p.Trp2296Arg amino acid residue in NF1. Other variant(s) that disrupt this residue have been determined to be pathogenic (internal data). This suggests that this residue is clinically significant, and that variants that disrupt this residue are likely to be disease-causing. In summary, the available evidence is currently insufficient to determine the role of this variant in disease. Therefore, it has been classified as a Variant of Uncertain Significance.

NM_001042492.3(NF1):c.6949T>G (p.Trp2317Gly)

Gene: NF1 (neurofibromin 1; plus strand). Cytogenetic location: 17q11.2.
Variant type: single nucleotide variant.
Coding change: c.6949T>G on transcript NM_001042492.3 (MANE Select); coding-DNA position 6949, T replaced by G.
Protein change: p.Trp2317Gly; replaces tryptophan 2317 with glycine.
Molecular consequence: missense variant.
Genome position (GRCh38, 1-based): chr17:31,340,532, T>G. VCF-style: chr17-31340532-T-G. GRCh37 (hg19) VCF-style: chr17-29667550-T-G.
Other names: c.6886T>G, p.Trp2296Gly (NM_000267.4); short protein forms W2317G, W2296G.
Identifiers: ClinVar variation 404492 (VCV000404492.3), dbSNP rs1060500297, ClinGen allele CA16615678.